The following is an entry in ClinVar:

NM_014587.5(SOX8):c.32C>T (p.Pro11Leu)

Gene: SOX8 (SRY-box transcription factor 8; plus strand). Cytogenetic location: 16p13.3.
Variant type: single nucleotide variant.
Coding change: c.32C>T on transcript NM_014587.5 (MANE Select); coding-DNA position 32, C replaced by T.
Protein change: p.Pro11Leu; replaces proline 11 with leucine.
Molecular consequence: missense variant.
Genome position (GRCh38, 1-based): chr16:981,954, C>T. VCF-style: chr16-981954-C-T. GRCh37 (hg19) VCF-style: chr16-1031954-C-T.
Other names: c.32C>T (NM_014587.4); short protein forms P11L.
Identifiers: ClinVar variation 2645867 (VCV002645867.25), dbSNP rs200231150, ClinGen allele CA7798084.

ClinVar aggregate classification (germline): Likely benign. Review status: criteria provided, single submitter (1 of 4 stars). 2 submissions from 2 submitters: Likely benign (1). 1 of the submissions does not count toward it. Last evaluated 2024-10-01.

Conditions:
SOX8-related disorder. Also called: SOX8-related condition.

Allele frequency attached by ClinVar (database versions not stated): 1000 Genomes Project 0.00100; 1000 Genomes Project 30x 0.00250; ESP Exome Variant Server 0.00312; ExAC 0.01037.

Submissions (2):

CeGaT Center for Human Genetics Tuebingen
Classification: Likely benign. Last evaluated: 2024-10-01. Review status: criteria provided, single submitter. Criteria: CeGaT Center For Human Genetics Tuebingen Variant Classification Criteria Version 2. Collection method: clinical testing. Allele origin: germline. Affected: yes. Observed: 2 variant alleles.
Comment: SOX8: PP2, BS2

PreventionGenetics, part of Exact Sciences
Classification: Likely benign for SOX8-related condition. Last evaluated: 2019-09-24. Review status: no assertion criteria provided. Collection method: clinical testing. Allele origin: germline. Not counted in ClinVar's aggregate classification.
Comment: This variant is classified as likely benign based on ACMG/AMP sequence variant interpretation guidelines (Richards et al. 2015 PMID: 25741868, with internal and published modifications).